The following is an entry in ClinVar:

NM_001754.5(RUNX1):c.645G>A (p.Lys215=)

Gene: RUNX1 (RUNX family transcription factor 1; minus strand). Cytogenetic location: 21q22.12.
Variant type: single nucleotide variant.
Coding change: c.645G>A on transcript NM_001754.5 (MANE Select); coding-DNA position 645, G replaced by A.
Protein change: p.Lys215=; no amino-acid change (lysine 215 retained).
Molecular consequence: synonymous variant.
Genome position (GRCh38, 1-based): chr21:34,834,570, C>T on the plus strand (G>A on the coding strand, the complement: RUNX1 is on the minus strand). VCF-style: chr21-34834570-C-T. GRCh37 (hg19) VCF-style: chr21-36206867-C-T.
Other names: NM_001754.5(RUNX1):c.645G>A; c.564G>A, p.Lys188= (NM_001001890.3, NM_001122607.2); c.645G>A (NM_001754.4).
Identifiers: ClinVar variation 464001 (VCV000464001.15), dbSNP rs1312588693, ClinGen allele CA512318690.

ClinVar aggregate classification (germline): Likely benign. Review status: reviewed by expert panel (3 of 4 stars). 3 submissions from 3 submitters: Likely benign (1). 2 of the submissions do not count toward it. Last evaluated 2026-05-04.

Conditions:
Inborn genetic diseases. Identifiers: MedGen C0950123, MeSH D030342.
Hereditary thrombocytopenia and hematological cancer predisposition syndrome associated with RUNX1. Also called: PLATELET DISORDER, ASPIRIN-LIKE; Familial Platelet Disorder with Propensity to Acute Myelogenous Leukemia; Familial thrombocytopenia with propensity to acute myelogenous leukemia; RUNX1 Familial Platelet Disorder with Associated Myeloid Malignancies. Identifiers: Orphanet 71290, MedGen C1832388, MeSH C563324, MONDO:0100083, OMIM 601399.
Hereditary thrombocytopenia and hematologic cancer predisposition syndrome. Identifiers: Orphanet 71290, MedGen CN281654, MONDO:0011071.

Allele frequency attached by ClinVar (database versions not stated): gnomAD exomes below 0.00001 and 0.00001.
gnomAD v4.1: 5 of 1,468,618 alleles (0.00034%); no homozygotes.

Submissions (3):

ClinGen Myeloid Malignancy Variant Curation Expert Panel
Classification: Likely benign for Hereditary thrombocytopenia and hematologic cancer predisposition syndrome. Last evaluated: 2026-05-04. Review status: reviewed by expert panel. Criteria: ClinGen MyeloMalig ACMG Specifications V3.1. Collection method: curation. Allele origin: germline. Inheritance: Autosomal dominant inheritance.
Comment: NM_001754.5(RUNX1):c.645G>A (p.Lys215=) is a synonymous variant which has a SpliceAI score ≤ 0.20 (0.00) (BP4, BP7). This variant has a MAF ≤ 0.00005 in gnomAD v4 across all subpopulations with at least 20x coverage for RUNX1 (PM2_supporting). In summary, this variant meets criteria to be classified as likely benign. ACMG/AMP criteria applied, as specified by the Myeloid Malignancy Variant Curation Expert Panel for RUNX1: BP4, BP7, PM2_supporting.

Labcorp Genetics (formerly Invitae), Labcorp
Classification: Likely benign for Hereditary thrombocytopenia and hematological cancer predisposition syndrome associated with RUNX1. Last evaluated: 2025-10-06. Review status: criteria provided, single submitter. Criteria: Invitae Variant Classification Sherloc (09022015). Collection method: clinical testing. Allele origin: germline. Not counted in ClinVar's aggregate classification.

Ambry Genetics
Classification: Likely benign for Inborn genetic diseases. Last evaluated: 2024-12-10. Review status: criteria provided, single submitter. Criteria: Ambry Variant Classification Scheme 2023. Collection method: clinical testing. Allele origin: germline. Not counted in ClinVar's aggregate classification.